The following is an entry in ClinVar:

ClinVar aggregate classification (germline): Uncertain significance (1 of 4 stars; one submission).

Allele frequency attached by ClinVar (database versions not stated): gnomAD exomes below 0.00001; ExAC 0.00001.
gnomAD v4.1: 1 of 1,614,134 alleles (0.000062%); highest among the groups gnomAD compares: South Asian, 0.0011%; no homozygotes.

Submission:

Labcorp Genetics (formerly Invitae), Labcorp
Classification: Uncertain significance. Last evaluated: 2019-09-03. Review status: criteria provided, single submitter. Criteria: Invitae Variant Classification Sherloc (09022015). Collection method: clinical testing. Allele origin: germline.
Comment: In summary, the available evidence is currently insufficient to determine the role of this variant in disease. Therefore, it has been classified as a Variant of Uncertain Significance. Algorithms developed to predict the effect of missense changes on protein structure and function output the following: SIFT: "Deleterious"; PolyPhen-2: "Benign"; Align-GVGD: "Class C15". The valine amino acid residue is found in multiple mammalian species, suggesting that this missense change does not adversely affect protein function. These predictions have not been confirmed by published functional studies and their clinical significance is uncertain. This variant has not been reported in the literature in individuals with SZT2-related conditions. This variant is present in population databases (rs780989559, ExAC 0.006%). This sequence change replaces alanine with valine at codon 1843 of the SZT2 protein (p.Ala1843Val). The alanine residue is highly conserved and there is a small physicochemical difference between alanine and valine.

NM_001365999.1(SZT2):c.5699C>T (p.Ala1900Val)

Gene: SZT2 (SZT2 subunit of KICSTOR complex; plus strand). Cytogenetic location: 1p34.2.
Variant type: single nucleotide variant.
Coding change: c.5699C>T on transcript NM_001365999.1 (MANE Select); coding-DNA position 5699, C replaced by T.
Protein change: p.Ala1900Val; replaces alanine 1900 with valine.
Molecular consequence: missense variant.
Genome position (GRCh38, 1-based): chr1:43,433,085, C>T. VCF-style: chr1-43433085-C-T. GRCh37 (hg19) VCF-style: chr1-43898756-C-T.
Other names: c.5528C>T, p.Ala1843Val (NM_015284.4); short protein forms A1900V, A1843V.
Identifiers: ClinVar variation 954940 (VCV000954940.9), dbSNP rs780989559, ClinGen allele CA809670.